The following is an entry in ClinVar:

NM_000038.6(APC):c.6523A>G (p.Thr2175Ala)

Gene: APC (APC regulator of Wnt signaling pathway; plus strand). Cytogenetic location: 5q22.2.
Variant type: single nucleotide variant.
Coding change: c.6523A>G on transcript NM_000038.6 (MANE Select); coding-DNA position 6523, A replaced by G.
Protein change: p.Thr2175Ala; replaces threonine 2175 with alanine.
Molecular consequence: missense variant.
Genome position (GRCh38, 1-based): chr5:112,842,117, A>G. VCF-style: chr5-112842117-A-G. GRCh37 (hg19) VCF-style: chr5-112177814-A-G.
Other names: c.6523A>G, p.Thr2175Ala (NM_001127510.3, NM_001354895.2); c.6469A>G, p.Thr2157Ala (NM_001127511.3); c.6577A>G, p.Thr2193Ala (NM_001354896.2); c.6553A>G, p.Thr2185Ala (NM_001354897.2); c.6448A>G, p.Thr2150Ala (NM_001354898.2); c.6439A>G, p.Thr2147Ala (NM_001354899.2); c.6400A>G, p.Thr2134Ala (NM_001354900.2); c.6346A>G, p.Thr2116Ala (NM_001354901.2); and 5 more; short protein forms T2074A, T2175A, T2193A, T2084A, T2134A, T2150A, T2185A, T2015A.
Identifiers: ClinVar variation 1043962 (VCV001043962.14), dbSNP rs1766235853, ClinGen allele CA16035601.
Genomic context (GRCh38, chr5:112,842,117, plus strand): 5'-GAAGAAAAACCCTTTACAAGTAATAAAGGCCCACGAATTCTAAAACCAGGGGAGAAAAGT[A>G]CATTGGAAACTAAAAAGATAGAATCTGAAAGTAAAGGAATCAAAGGAGGAAAAAAAGTTT-3'
Protein context (NP_000029.2, residues 2165-2185): PRILKPGEKS[Thr2175Ala]LETKKIESES

ClinVar aggregate classification (germline): Uncertain significance. Review status: criteria provided, multiple submitters, no conflicts (2 of 4 stars). 3 submissions from 3 submitters: Uncertain significance (3). Last evaluated 2025-05-06.

Conditions:
Hereditary cancer-predisposing syndrome. Also called: Hereditary Cancer Syndrome; Tumor predisposition; Hereditary neoplastic syndrome; Neoplastic Syndromes, Hereditary. Identifiers: Orphanet 140162, MedGen C0027672, MeSH D009386, MONDO:0015356.
Classic or attenuated familial adenomatous polyposis. Identifiers: MedGen CN372698, MONDO:0021057.
Familial adenomatous polyposis 1 (FAP1). Also called: FAMILIAL ADENOMATOUS POLYPOSIS 1, ATTENUATED; POLYPOSIS, ADENOMATOUS INTESTINAL. Identifiers: MedGen C2713442, MONDO:0021056, OMIM 175100. Disease mechanism: loss of function.

Allele frequency attached by ClinVar (database versions not stated): gnomAD exomes below 0.00001.
gnomAD v4.1: 1 of 1,611,088 alleles (0.000062%); highest among the groups gnomAD compares: Non-Finnish European, 0.000085%; no homozygotes.

Submissions (3):

Labcorp Genetics (formerly Invitae), Labcorp
Classification: Uncertain significance for Familial adenomatous polyposis 1. Last evaluated: 2025-05-06. Review status: criteria provided, single submitter. Criteria: Invitae Variant Classification Sherloc (09022015). Collection method: clinical testing. Allele origin: germline.
Comment: This sequence change replaces threonine, which is neutral and polar, with alanine, which is neutral and non-polar, at codon 2175 of the APC protein (p.Thr2175Ala). This variant is not present in population databases (gnomAD no frequency). This variant has not been reported in the literature in individuals affected with APC-related conditions. ClinVar contains an entry for this variant (Variation ID: 1043962). Invitae Evidence Modeling of protein sequence and biophysical properties (such as structural, functional, and spatial information, amino acid conservation, physicochemical variation, residue mobility, and thermodynamic stability) indicates that this missense variant is not expected to disrupt APC protein function with a negative predictive value of 95%. In summary, the available evidence is currently insufficient to determine the role of this variant in disease. Therefore, it has been classified as a Variant of Uncertain Significance.

Ambry Genetics
Classification: Uncertain significance for Hereditary cancer-predisposing syndrome. Last evaluated: 2025-02-11. Review status: criteria provided, single submitter. Criteria: Ambry Variant Classification Scheme 2023. Collection method: clinical testing. Allele origin: germline.
Comment: The p.T2175A variant (also known as c.6523A>G), located in coding exon 15 of the APC gene, results from an A to G substitution at nucleotide position 6523. The threonine at codon 2175 is replaced by alanine, an amino acid with similar properties. This amino acid position is well conserved in available vertebrate species. In addition, in silico predictors for this gene do not accurately predict pathogenicity. Missense alterations in APC are not a common cause of disease (Spier I et al. Genet Med. 2024 Feb;26(2):100992). Based on the available evidence, the clinical significance of this variant remains unclear.

All of Us Research Program, National Institutes of Health
Classification: Uncertain significance for Classic or attenuated familial adenomatous polyposis. Last evaluated: 2024-08-13. Review status: criteria provided, single submitter. Criteria: ACMG Guidelines, 2015. Collection method: clinical testing. Allele origin: germline. Inheritance: Autosomal dominant inheritance. Observed: 1 variant allele, 1 heterozygote.
Comment: This missense variant replaces threonine with alanine at codon 2175 of the APC protein. Computational prediction suggests that this variant may not impact protein structure and function (internally defined REVEL score threshold <= 0.5, PMID: 27666373). To our knowledge, functional studies have not been reported for this variant. This variant has not been reported in individuals affected with APC-related disorders in the literature. This variant has not been identified in the general population by the Genome Aggregation Database (gnomAD). The available evidence is insufficient to determine the role of this variant in disease conclusively. Therefore, this variant is classified as a Variant of Uncertain Significance.

This study involves interpretation of variants in research participants for the purpose of population health screening. Participant phenotype was not available at the time of variant classification. Additional details can be found in publication PMID: 35346344, PMCID: PMC8962531